The following is an entry in ClinVar:

NM_000061.3(BTK):c.1750+1G>T

Gene: BTK (Bruton tyrosine kinase; minus strand). Cytogenetic location: Xq22.1.
Variant type: single nucleotide variant.
Coding change: c.1750+1G>T on transcript NM_000061.3 (MANE Select); the canonical splice donor site of the intron after coding-DNA position 1750, G replaced by T.
Molecular consequence: splice donor variant.
Genome position (GRCh38, 1-based): chrX:101,353,869, C>A on the plus strand (G>T on the coding strand, the complement: BTK is on the minus strand). VCF-style: chrX-101353869-C-A. GRCh37 (hg19) VCF-style: chrX-100608857-C-A.
Other names: c.1852+1G>T (NM_001287344.2); c.1222+1G>T (NM_001287345.2).
Identifiers: ClinVar variation 2737287 (VCV002737287.3), dbSNP rs2520533109, ClinGen allele CA413919856.
Genomic context (GRCh38, chrX:101,353,869, plus strand): 5'-ATTTTCCCATTGCATTTCTTATCCTTTGAGCTGTATAATCTGTGTAATCTTATCCACTTA[C>A]CAAAAGCCCAAATGTCAGATTTGCTGCTGAACTTGCTATACATCAGGACTTCCGGTGGGG-3'

ClinVar aggregate classification (germline): Pathogenic (1 of 4 stars; one submission).

Conditions:
X-linked agammaglobulinemia with growth hormone deficiency (IGHD3). Also called: AGAMMAGLOBULINEMIA AND ISOLATED GROWTH HORMONE DEFICIENCY, X-LINKED; FLEISHER SYNDROME; Isolated growth hormone deficiency type 3; Growth hormone deficiency with hypogammaglobulinemia; HYPOGAMMAGLOBULINEMIA AND ISOLATED GROWTH HORMONE DEFICIENCY, X-LINKED; IGHD III. Identifiers: Orphanet 231692, Orphanet 631, MedGen C0472813, MONDO:0010615, OMIM 307200.

Submission:

Labcorp Genetics (formerly Invitae), Labcorp
Classification: Pathogenic for X-linked agammaglobulinemia with growth hormone deficiency. Last evaluated: 2024-05-31. Review status: criteria provided, single submitter. Criteria: Invitae Variant Classification Sherloc (09022015). Collection method: clinical testing. Allele origin: germline.
Comment: This sequence change affects a donor splice site in intron 17 of the BTK gene. It is expected to disrupt RNA splicing. Variants that disrupt the donor or acceptor splice site typically lead to a loss of protein function (PMID: 16199547), and loss-of-function variants in BTK are known to be pathogenic (PMID: 15661032, 16862044, 19419768). This variant is not present in population databases (gnomAD no frequency). Disruption of this splice site has been observed in individuals with agammaglobulinemia (PMID: 15661032, 16712653). Algorithms developed to predict the effect of sequence changes on RNA splicing suggest that this variant may disrupt the consensus splice site. For these reasons, this variant has been classified as Pathogenic.

Literature cited by the submitters: PubMed 16199547; PubMed 15661032; PubMed 16862044; PubMed 19419768; PubMed 16712653.